The following is an entry in ClinVar:

NM_201253.3(CRB1):c.2681A>G (p.Asn894Ser)

Gene: CRB1 (crumbs cell polarity complex component 1; plus strand). Cytogenetic location: 1q31.3.
Variant type: single nucleotide variant.
Coding change: c.2681A>G on transcript NM_201253.3 (MANE Select); coding-DNA position 2681, A replaced by G.
Protein change: p.Asn894Ser; replaces asparagine 894 with serine.
Molecular consequence: missense variant. On other transcripts: non-coding transcript variant (2), intron variant (1).
Genome position (GRCh38, 1-based): chr1:197,429,453, A>G. VCF-style: chr1-197429453-A-G. GRCh37 (hg19) VCF-style: chr1-197398583-A-G.
Other names: c.2345A>G, p.Asn782Ser (NM_001193640.2); c.2609A>G, p.Asn870Ser (NM_001257965.2); c.2129-6147A>G (NM_001257966.2); short protein forms N894S, N870S, N782S.
Identifiers: ClinVar variation 99887 (VCV000099887.59), dbSNP rs62636290, ClinGen allele CA228017.
Genomic context (GRCh38, chr1:197,429,453, plus strand): 5'-CATTTTTCTATTTAGTTGCCAGTGCTTTTTATACCTTTGATTTCTTTTCTGCTCAGTCCA[A>G]CCCCTGTCACAATGGAGGTGTTTGCCATTCCCGGTGGGATGACTTCTCCTGTTCCTGTCC-3'
Protein context (NP_957705.1, residues 884-904): GCAGDNSCKS[Asn894Ser]PCHNGGVCHS

ClinVar aggregate classification (germline): Conflicting classifications of pathogenicity. Review status: criteria provided, conflicting classifications (1 of 4 stars). 11 submissions from 10 submitters: Uncertain significance (6); Likely benign (3). 2 of the submissions do not count toward it. Last evaluated 2026-07-06.

Conditions:
CRB1-related disorder. Also called: CRB1-related condition; CRB1-related disorders.
Hereditary macular dystrophy. Also called: Genetic macular dystrophy. Identifiers: MedGen C0339508, MONDO:0020242.
Optic atrophy. Identifiers: MedGen C0029124, MONDO:0003608, HP:0000648.
Leber congenital amaurosis 8 (LCA8). Identifiers: Orphanet 65, MedGen C3151202, MONDO:0013453, OMIM 613835.
Retinitis pigmentosa 12 (RP12). Also called: RP WITH OR WITHOUT PPRPE; RP WITH OR WITHOUT PRESERVED PARAARTERIOLE RETINAL PIGMENT EPITHELIUM; RETINITIS PIGMENTOSA WITH OR WITHOUT PARAARTERIOLAR PRESERVATION OF RETINAL PIGMENT EPITHELIUM. Identifiers: Orphanet 791, MedGen C1838647, MONDO:0010818, OMIM 600105.
Pigmented paravenous retinochoroidal atrophy. Identifiers: Orphanet 251295, MedGen C1868310, MONDO:0008246, OMIM 172870.
Leber congenital amaurosis (LCA). Also called: Leber's amaurosis. Identifiers: Orphanet 65, MedGen C0339527, MeSH D057130, MONDO:0018998.

Allele frequency attached by ClinVar (database versions not stated): ESP Exome Variant Server 0.00008; ExAC 0.00010; gnomAD 0.00012 and 0.00013; gnomAD exomes 0.00012 and 0.00015; TOPMed 0.00017.
gnomAD v4.1: 204 of 1,613,134 alleles (0.013%); highest among the groups gnomAD compares: Middle Eastern, 0.016%; no homozygotes.

Submissions (11):

PreventionGenetics, part of Exact Sciences
Classification: Likely benign for CRB1-related condition. Last evaluated: 2026-07-06. Review status: criteria provided, single submitter. Criteria: ACMG Guidelines, 2015. Collection method: clinical testing. Allele origin: germline.
Comment: This variant is classified as likely benign based on ACMG/AMP sequence variant interpretation guidelines (Richards et al. 2015 PMID: 25741868, with internal and published modifications).

Labcorp Genetics (formerly Invitae), Labcorp
Classification: Likely benign for Leber congenital amaurosis 8; Retinitis pigmentosa 12. Last evaluated: 2025-10-06. Review status: criteria provided, single submitter. Criteria: Invitae Variant Classification Sherloc (09022015). Collection method: clinical testing. Allele origin: germline.

Blueprint Genetics
Classification: Likely benign. Last evaluated: 2024-09-23. Review status: criteria provided, single submitter. Criteria: ACMG Guidelines, 2015. Collection method: clinical testing. Allele origin: germline.

Department of Pathology and Laboratory Medicine, Sinai Health System
Classification: Uncertain significance for hereditary macular dystrophy. Last evaluated: 2023-08-07. Review status: criteria provided, single submitter. Criteria: ACMG Guidelines, 2015. Collection method: research. Allele origin: germline.

Institute of Human Genetics, Univ. Regensburg, Univ. Regensburg
Classification: Uncertain significance for Optic atrophy. Last evaluated: 2023-01-01. Review status: criteria provided, single submitter. Criteria: ACMG Guidelines, 2015. Collection method: clinical testing. Allele origin: germline. Affected: yes.

Genome-Nilou Lab
Classification: Uncertain significance for Retinitis pigmentosa 12. Last evaluated: 2021-07-14. Review status: criteria provided, single submitter. Criteria: ACMG Guidelines, 2015. Collection method: clinical testing. Allele origin: germline. Affected: no.

Genome-Nilou Lab
Classification: Uncertain significance for Leber congenital amaurosis 8. Last evaluated: 2021-06-10. Review status: criteria provided, single submitter. Criteria: ACMG Guidelines, 2015. Collection method: clinical testing. Allele origin: germline. Affected: no.

Fulgent Genetics
Classification: Uncertain significance for Pigmented paravenous retinochoroidal atrophy; Retinitis pigmentosa 12; Leber congenital amaurosis 8. Last evaluated: 2018-10-31. Review status: criteria provided, single submitter. Criteria: ACMG Guidelines, 2015. Collection method: clinical testing. Allele origin: unknown.

CeGaT Center for Human Genetics Tuebingen
Classification: Uncertain significance. Last evaluated: 2018-05-01. Review status: criteria provided, single submitter. Criteria: CeGaT Center For Human Genetics Tuebingen Variant Classification Criteria Version 2. Collection method: clinical testing. Allele origin: germline. Affected: yes. Observed: 2 variant alleles.

Natera, Inc.
Classification: Uncertain significance for Leber congenital amaurosis. Last evaluated: 2020-04-03. Review status: no assertion criteria provided. Collection method: clinical testing. Allele origin: germline. Not counted in ClinVar's aggregate classification.

Retina International
No classification provided. Review status: no classification provided. Collection method: not provided. Allele origin: not provided. Not counted in ClinVar's aggregate classification.

Literature cited by the submitters: PubMed 11389483 (cited by Institute of Human Genetics, Univ. Regensburg, Univ. Regensburg); PubMed 3012021 (cited by Institute of Human Genetics, Univ. Regensburg, Univ. Regensburg).